The following is an entry in ClinVar:

NM_002661.5(PLCG2):c.2080C>G (p.Arg694Gly)

Gene: PLCG2 (phospholipase C gamma 2; plus strand). Cytogenetic location: 16q23.3.
Variant type: single nucleotide variant.
Coding change: c.2080C>G on transcript NM_002661.5 (MANE Select); coding-DNA position 2080, C replaced by G.
Protein change: p.Arg694Gly; replaces arginine 694 with glycine.
Molecular consequence: missense variant.
Genome position (GRCh38, 1-based): chr16:81,919,509, C>G. VCF-style: chr16-81919509-C-G. GRCh37 (hg19) VCF-style: chr16-81953114-C-G.
Other names: c.2080C>G, p.Arg694Gly (NM_001425749.1, NM_001425750.1, NM_001425751.1); short protein forms R694G.
Identifiers: ClinVar variation 3686470 (VCV003686470.2).
Genomic context (GRCh38, chr16:81,919,509, plus strand): 5'-CTTGGCATGTCAACCCTGTGTTCTTCCTGCTCCAGGGCTAGGGGCAAGGTAAAGCATTGT[C>G]GCATCAACCGGGACGGCCGGCACTTTGTGCTGGGGACCTCCGCCTATTTTGAGAGTCTGG-3'
Protein context (NP_002652.2, residues 684-704): FRARGKVKHC[Arg694Gly]INRDGRHFVL

ClinVar aggregate classification (germline): Uncertain significance (1 of 4 stars; one submission).

Conditions:
Familial cold autoinflammatory syndrome 3 (FCAS3). Also called: ANTIBODY DEFICIENCY AND IMMUNE DYSREGULATION, PLCG2-ASSOCIATED; FAMILIAL ATYPICAL COLD URTICARIA. Identifiers: Orphanet 300359, MedGen C3280914, MONDO:0013766, OMIM 614468.

gnomAD v4.1: 2 of 1,613,986 alleles (0.00012%); highest among the groups gnomAD compares: East Asian, 0.0022%; no homozygotes.

Submission:

Labcorp Genetics (formerly Invitae), Labcorp
Classification: Uncertain significance for Familial cold autoinflammatory syndrome 3. Last evaluated: 2024-02-01. Review status: criteria provided, single submitter. Criteria: Invitae Variant Classification Sherloc (09022015). Collection method: clinical testing. Allele origin: germline.
Comment: This sequence change replaces arginine, which is basic and polar, with glycine, which is neutral and non-polar, at codon 694 of the PLCG2 protein (p.Arg694Gly). This variant is not present in population databases (gnomAD no frequency). This variant has not been reported in the literature in individuals affected with PLCG2-related conditions. An algorithm developed to predict the effect of missense changes on protein structure and function (PolyPhen-2) suggests that this variant is likely to be disruptive. In summary, the available evidence is currently insufficient to determine the role of this variant in disease. Therefore, it has been classified as a Variant of Uncertain Significance.